The following is an entry in ClinVar:

ClinVar aggregate classification (germline): Likely pathogenic. Review status: criteria provided, multiple submitters, no conflicts (2 of 4 stars). 2 submissions from 2 submitters: Likely pathogenic (2). Last evaluated 2022-05-24.

Conditions:
Osteopathia striata with cranial sclerosis (OSCS). Also called: HYPEROSTOSIS GENERALISATA WITH STRIATIONS. Identifiers: Orphanet 2780, MedGen C0432268, MONDO:0010310, OMIM 300373.

Submissions (2):

MVZ Medizinische Genetik Mainz
Classification: Likely pathogenic for Osteopathia striata with cranial sclerosis. Last evaluated: 2022-05-24. Review status: criteria provided, single submitter. Criteria: UK Practice Guidelines For Variant Classification V4 01 2020. Collection method: clinical testing. Allele origin: germline. Inheritance: X-linked dominant inheritance. Affected: yes. Observed: 1 variant allele.
Comment: ACMG Criteria: PVS1, PM2_SUP

Juno Genomics, Hangzhou Juno Genomics, Inc
Classification: Likely pathogenic for Osteopathia striata with cranial sclerosis. Review status: criteria provided, single submitter. Criteria: ACMG Guidelines, 2015. Collection method: clinical testing. Allele origin: germline. Affected: yes.
Comment: Absent from controls (or at extremely low frequency if recessive) in Genome Aggregation Database.;Null variant in a gene where loss of function (LOF) is a known mechanism of disease.;Patient's phenotype or family history is highly specific for a disease with a single genetic etiology.

NM_152424.4(AMER1):c.871G>T (p.Glu291Ter)

Gene: AMER1 (APC membrane recruitment protein 1; minus strand). Cytogenetic location: Xq11.2.
Variant type: single nucleotide variant.
Coding change: c.871G>T on transcript NM_152424.4 (MANE Select); coding-DNA position 871, G replaced by T.
Protein change: p.Glu291Ter; replaces glutamic acid 291 with a stop codon.
Molecular consequence: nonsense.
Genome position (GRCh38, 1-based): chrX:64,192,416, C>A on the plus strand (G>T on the coding strand, the complement: AMER1 is on the minus strand). VCF-style: chrX-64192416-C-A. GRCh37 (hg19) VCF-style: chrX-63412296-C-A.
Other names: short protein forms E291*.
Identifiers: ClinVar variation 3235193 (VCV003235193.2), dbSNP rs774922675.